The following is an entry in ClinVar:

ClinVar aggregate classification (germline): Likely pathogenic (1 of 4 stars; one submission).

Submission:

CeGaT Center for Human Genetics Tuebingen
Classification: Likely pathogenic. Last evaluated: 2023-07-01. Review status: criteria provided, single submitter. Criteria: CeGaT Center For Human Genetics Tuebingen Variant Classification Criteria Version 2. Collection method: clinical testing. Allele origin: germline. Affected: yes. Observed: 3 variant alleles.
Comment: RFX5: PM2, PP4:Moderate, PM3:Supporting, PP3

NM_001025603.2(RFX5):c.616G>C (p.Ala206Pro)

Gene: RFX5 (regulatory factor X5; minus strand). Cytogenetic location: 1q21.3.
Variant type: single nucleotide variant.
Coding change: c.616G>C on transcript NM_001025603.2 (MANE Select); coding-DNA position 616, G replaced by C.
Protein change: p.Ala206Pro; replaces alanine 206 with proline.
Molecular consequence: missense variant.
Genome position (GRCh38, 1-based): chr1:151,343,822, C>G on the plus strand (G>C on the coding strand, the complement: RFX5 is on the minus strand). VCF-style: chr1-151343822-C-G. GRCh37 (hg19) VCF-style: chr1-151316298-C-G.
Other names: c.616G>C, p.Ala206Pro (NM_000449.4, NM_001379412.1, NM_001379413.1 and 5 more transcripts); c.496G>C, p.Ala166Pro (NM_001379419.1, NM_001379420.1); short protein forms A166P, A206P.
Identifiers: ClinVar variation 2498413 (VCV002498413.28), dbSNP rs2529027871, ClinGen allele CA341938422.